The following is an entry in ClinVar:

NM_003906.5(MCM3AP):c.3536G>A (p.Arg1179His)

Gene: MCM3AP (minichromosome maintenance complex component 3 associated protein; minus strand). Cytogenetic location: 21q22.3.
Variant type: single nucleotide variant.
Coding change: c.3536G>A on transcript NM_003906.5 (MANE Select); coding-DNA position 3536, G replaced by A.
Protein change: p.Arg1179His; replaces arginine 1179 with histidine.
Molecular consequence: missense variant.
Genome position (GRCh38, 1-based): chr21:46,260,838, C>T on the plus strand (G>A on the coding strand, the complement: MCM3AP is on the minus strand). VCF-style: chr21-46260838-C-T. GRCh37 (hg19) VCF-style: chr21-47680752-C-T.
Other names: short protein forms R1179H.
Identifiers: ClinVar variation 2156799 (VCV002156799.1), dbSNP rs750063536, ClinGen allele CA10076467.

ClinVar aggregate classification (germline): Uncertain significance (1 of 4 stars; one submission).

Allele frequency attached by ClinVar (database versions not stated): ExAC 0.00002; gnomAD 0.00003; gnomAD exomes 0.00003; TOPMed 0.00003.
gnomAD v4.1: 49 of 1,614,084 alleles (0.003%); highest among the groups gnomAD compares: East Asian, 0.011%; no homozygotes.

Submission:

Labcorp Genetics (formerly Invitae), Labcorp
Classification: Uncertain significance. Last evaluated: 2022-08-11. Review status: criteria provided, single submitter. Criteria: Invitae Variant Classification Sherloc (09022015). Collection method: clinical testing. Allele origin: germline.
Comment: This sequence change replaces arginine, which is basic and polar, with histidine, which is basic and polar, at codon 1179 of the MCM3AP protein (p.Arg1179His). This variant is present in population databases (rs750063536, gnomAD 0.009%). This variant has not been reported in the literature in individuals affected with MCM3AP-related conditions. Algorithms developed to predict the effect of missense changes on protein structure and function output the following: SIFT: "Tolerated"; PolyPhen-2: "Benign"; Align-GVGD: "Class C0". The histidine amino acid residue is found in multiple mammalian species, which suggests that this missense change does not adversely affect protein function. In summary, the available evidence is currently insufficient to determine the role of this variant in disease. Therefore, it has been classified as a Variant of Uncertain Significance.